The following is an entry in ClinVar:

NM_002691.4(POLD1):c.1472_1474del (p.His491_Ser492delinsArg)

Gene: POLD1 (DNA polymerase delta 1, catalytic subunit; plus strand). Cytogenetic location: 19q13.33.
Variant type: Deletion.
Coding change: c.1472_1474del on transcript NM_002691.4 (MANE Select); coding-DNA positions 1472 to 1474, 3 bases deleted (ACA; older notation c.1472_1474delACA).
Protein change: p.His491_Ser492delinsArg.
Molecular consequence: inframe indel. On other transcripts: non-coding transcript variant (1).
Genome position (GRCh38, 1-based): chr19:50,406,495-50,406,497, ACA deleted. VCF-style (leftmost placement, unchanged base first): chr19-50406494-CACA-C. GRCh37 (hg19) VCF-style: chr19-50909751-CACA-C.
Other names: c.1472_1474del, p.His491_Ser492delinsArg (NM_001256849.1, NM_001308632.1).
Identifiers: ClinVar variation 3781388 (VCV003781388.1).

ClinVar aggregate classification (germline): Uncertain significance (1 of 4 stars; one submission).

Conditions:
Hereditary cancer-predisposing syndrome. Also called: Neoplastic Syndromes, Hereditary; Hereditary Cancer Syndrome; Tumor predisposition; Hereditary neoplastic syndrome. Identifiers: Orphanet 140162, MedGen C0027672, MeSH D009386, MONDO:0015356.

Submission:

Ambry Genetics
Classification: Uncertain significance for Hereditary cancer-predisposing syndrome. Last evaluated: 2025-01-29. Review status: criteria provided, single submitter. Criteria: Ambry Variant Classification Scheme 2023. Collection method: clinical testing. Allele origin: germline.
Comment: The c.1472_1474delACA variant (also known as p.H491_S492delinsR) is located in coding exon 11 of the POLD1 gene. This variant results from an in-frame ACA deletion at nucleotide positions 1472 to 1474. This results in the deletion of 2 amino acids (HS) and the insertion of an arginine at codons 491 and 492. The deleted amino acid positions are highly conserved in available vertebrate species. In addition, this alteration is predicted to be deleterious by in silico analysis (Choi Y et al. PLoS ONE. 2012; 7(10):e46688). Based on the available evidence, the clinical significance of this variant remains unclear.